The following is an entry in ClinVar:

NM_001378454.1(ALMS1):c.12362G>A (p.Arg4121Gln)

Gene: ALMS1 (ALMS1 centrosome and basal body associated protein; plus strand). Cytogenetic location: 2p13.1.
Variant type: single nucleotide variant.
Coding change: c.12362G>A on transcript NM_001378454.1 (MANE Select); coding-DNA position 12362, G replaced by A.
Protein change: p.Arg4121Gln; replaces arginine 4121 with glutamine.
Molecular consequence: missense variant.
Genome position (GRCh38, 1-based): chr2:73,603,304, G>A. VCF-style: chr2-73603304-G-A. GRCh37 (hg19) VCF-style: chr2-73830431-G-A.
Other names: c.12365G>A, p.Arg4122Gln (NM_015120.4); short protein forms R4122Q, R4121Q.
Identifiers: ClinVar variation 551196 (VCV000551196.20), dbSNP rs376602261, ClinGen allele CA1715539.

ClinVar aggregate classification (germline): Conflicting classifications of pathogenicity. Review status: criteria provided, conflicting classifications (1 of 4 stars). 9 submissions from 9 submitters: Pathogenic (2); Uncertain significance (5). 2 of the submissions do not count toward it. Last evaluated 2026-02-10.

Conditions:
Cardiovascular phenotype. Identifiers: MedGen CN230736.
Monogenic hearing loss.
Alstrom syndrome (ALMS). Identifiers: Orphanet 64, MedGen C0268425, MONDO:0008763, OMIM 203800.

Allele frequency attached by ClinVar (database versions not stated): gnomAD exomes 0.00001 and 0.00004; ExAC 0.00003; gnomAD 0.00007; ESP Exome Variant Server 0.00008; TOPMed 0.00011; 1000 Genomes Project 30x 0.00016; 1000 Genomes Project 0.00020.
gnomAD v4.1: 32 of 1,613,962 alleles (0.002%); highest among the groups gnomAD compares: African/African-American, 0.011%; no homozygotes.

Submissions (9):

GeneDx
Classification: Pathogenic. Last evaluated: 2026-02-10. Review status: criteria provided, single submitter. Criteria: GeneDx Variant Classification Process June 2021. Collection method: clinical testing. Allele origin: germline. Affected: yes.
Comment: Reported in a patient with Alstrom syndrome in published literature (PMID: 25846608); RNA studies demonstrate a damaging effect: abnormal splicing with the addition of 20 bp, resulting in a novel out-of-frame transcript (Fulgent Genetics); Not observed at significant frequency in large population cohorts (gnomAD); In silico analysis supports that this missense variant has a deleterious effect on protein structure/function; This variant is associated with the following publications: (PMID: 25846608)

Genetics Laboratory, Great Ormond Street Hospital NHS Foundation Trust, North Thames Genomic Laboratory Hub
Classification: Pathogenic for Monogenic hearing loss. Last evaluated: 2025-10-12. Review status: criteria provided, single submitter. Criteria: ACGS Best Practice Guidelines for Variant Classification in Rare Disease 2024 v1.2. Collection method: clinical testing. Allele origin: germline. Affected: yes.
Comment: PM2_moderate, PVS1_very-strong, PM3_supporting

Ambry Genetics
Classification: Uncertain significance for Cardiovascular phenotype. Last evaluated: 2025-02-21. Review status: criteria provided, single submitter. Criteria: Ambry Variant Classification Scheme 2023. Collection method: clinical testing. Allele origin: germline.
Comment: The p.R4122Q variant (also known as c.12365G>A), located in coding exon 21 of the ALMS1 gene, results from a G to A substitution at nucleotide position 12365. The arginine at codon 4122 is replaced by glutamine, an amino acid with highly similar properties. However, this change occurs in the last base pair of coding exon 21, which makes it likely to have some effect on normal mRNA splicing. This nucleotide position is highly conserved in available vertebrate species. This amino acid position is highly conserved in available vertebrate species. In silico splice site analysis predicts that this alteration may weaken the native splice donor site and will result in the creation or strengthening of a novel splice donor site. In addition, as a missense substitution this alteration is predicted to be tolerated by in silico analysis. Since supporting evidence is limited at this time, the clinical significance of this alteration remains unclear.

Women's Health and Genetics/Laboratory Corporation of America, LabCorp
Classification: Uncertain significance. Last evaluated: 2023-12-04. Review status: criteria provided, single submitter. Criteria: LabCorp Variant Classification Summary - May 2015. Collection method: clinical testing. Allele origin: germline.
Comment: Variant summary: ALMS1 c.12359G>A (p.Arg4120Gln) results in a conservative amino acid change located in the ALMS motif (IPR029299) of the encoded protein sequence. Three of five in-silico tools predict a benign effect of the variant on protein function. In addition, this variant disrupts the last nucleotide of exon 21, and therefore can affect splicing. Several computational tools predict a significant impact on normal splicing: one predicts the variant abolishes a 5' splicing donor site. Two predict the variant weakens a 5' donor site. However, these predictions have yet to be confirmed by functional studies. The variant allele was found at a frequency of 3.6e-05 in 251232 control chromosomes (gnomAD). The available data on variant occurrences in the general population are insufficient to allow any conclusion about variant significance. c.12359G>A has been reported in the literature in at least one individual affected with Alstrom Syndrome (e.g., Marshall_2015, Shi_2023), however without strong evidence for causality (e.g., lack of co-occurrence and co-segregation data). These reports therefore do not provide unequivocal conclusions about association of the variant with Alstrom Syndrome. To our knowledge, no experimental evidence demonstrating an impact on protein function has been reported. The following publications have been ascertained in the context of this evaluation (PMID: 25846608, 36685911). Six submitters have reported clinical-significance assessments for this variant to ClinVar after 2014. All submitters classified the variant as uncertain significance. Based on the evidence outlined above, the variant was classified as uncertain significance.

Blueprint Genetics
Classification: Uncertain significance. Last evaluated: 2022-11-16. Review status: criteria provided, single submitter. Criteria: ACMG Guidelines, 2015. Collection method: clinical testing. Allele origin: germline.

Labcorp Genetics (formerly Invitae), Labcorp
Classification: Uncertain significance for Alstrom syndrome. Last evaluated: 2022-10-05. Review status: criteria provided, single submitter. Criteria: Invitae Variant Classification Sherloc (09022015). Collection method: clinical testing. Allele origin: germline.
Comment: This sequence change replaces arginine, which is basic and polar, with glutamine, which is neutral and polar, at codon 4122 of the ALMS1 protein (p.Arg4122Gln). This variant is present in population databases (rs376602261, gnomAD 0.02%). This missense change has been observed in individual(s) with Alstrom syndrome (PMID: 25846608). ClinVar contains an entry for this variant (Variation ID: 551196). Experimental studies and prediction algorithms are not available or were not evaluated, and the functional significance of this variant is currently unknown. Algorithms developed to predict the effect of sequence changes on RNA splicing suggest that this variant may disrupt the consensus splice site. In summary, the available evidence is currently insufficient to determine the role of this variant in disease. Therefore, it has been classified as a Variant of Uncertain Significance.

Fulgent Genetics
Classification: Uncertain significance for Alstrom syndrome. Last evaluated: 2022-05-11. Review status: criteria provided, single submitter. Criteria: ACMG Guidelines, 2015. Collection method: clinical testing. Allele origin: unknown.

Natera, Inc.
Classification: Uncertain significance for Alstrom syndrome. Last evaluated: 2021-04-30. Review status: no assertion criteria provided. Collection method: clinical testing. Allele origin: germline. Not counted in ClinVar's aggregate classification.

Counsyl
Classification: Uncertain significance for Alstrom syndrome. Last evaluated: 2017-03-24. Review status: no assertion criteria provided. Collection method: clinical testing. Allele origin: unknown. Not counted in ClinVar's aggregate classification.

Literature cited by the submitters: PubMed 25846608 (cited by 3 submitters); PubMed 36685911 (cited by Women's Health and Genetics/Laboratory Corporation of America, LabCorp).